The following is an entry in ClinVar:

NM_007272.3(CTRC):c.686G>A (p.Trp229Ter)

Gene: CTRC (chymotrypsin C; plus strand). Cytogenetic location: 1p36.21.
Variant type: single nucleotide variant.
Coding change: c.686G>A on transcript NM_007272.3 (MANE Select); coding-DNA position 686, G replaced by A.
Protein change: p.Trp229Ter; replaces tryptophan 229 with a stop codon.
Molecular consequence: nonsense.
Genome position (GRCh38, 1-based): chr1:15,445,643, G>A. VCF-style: chr1-15445643-G-A. GRCh37 (hg19) VCF-style: chr1-15772138-G-A.
Other names: short protein forms W229*.
Identifiers: ClinVar variation 4994446 (VCV004994446.1).

ClinVar aggregate classification (germline): Likely pathogenic (1 of 4 stars; one submission).

Conditions:
CTRC-related disorder. Also called: CTRC-related condition.

Submission:

PreventionGenetics, part of Exact Sciences
Classification: Likely pathogenic for CTRC-related condition. Last evaluated: 2025-11-24. Review status: criteria provided, single submitter. Criteria: ACMG Guidelines, 2015. Collection method: clinical testing. Allele origin: germline.
Comment: The CTRC c.686G>A variant is predicted to result in premature protein termination (p.Trp229*). To our knowledge, this variant has not been reported in the literature or in a large population database (gnomAD), indicating this variant is rare. Nonsense variants in CTRC are expected to be pathogenic. This variant is interpreted as likely pathogenic.